The following is an entry in ClinVar:

NM_005045.4(RELN):c.7305C>G (p.Phe2435Leu)

Gene: RELN (reelin; minus strand). Cytogenetic location: 7q22.1.
Variant type: single nucleotide variant.
Coding change: c.7305C>G on transcript NM_005045.4 (MANE Select); coding-DNA position 7305, C replaced by G.
Protein change: p.Phe2435Leu; replaces phenylalanine 2435 with leucine.
Molecular consequence: missense variant.
Genome position (GRCh38, 1-based): chr7:103,535,360, G>C on the plus strand (C>G on the coding strand, the complement: RELN is on the minus strand). VCF-style: chr7-103535360-G-C. GRCh37 (hg19) VCF-style: chr7-103175807-G-C.
Other names: c.7305C>G, p.Phe2435Leu (NM_173054.3); short protein forms F2435L.
Identifiers: ClinVar variation 2924217 (VCV002924217.3), dbSNP rs2484776543, ClinGen allele CA368768685.

ClinVar aggregate classification (germline): Uncertain significance (1 of 4 stars; one submission).

Conditions:
Norman-Roberts syndrome (LIS2). Also called: Lissencephaly 2 (Norman-Roberts type). Identifiers: Orphanet 89844, MedGen C0796089, MONDO:0009760, OMIM 257320.
Familial temporal lobe epilepsy 7. Identifiers: Orphanet 101046, MedGen C4225327, MONDO:0014639, OMIM 616436.

Submission:

Labcorp Genetics (formerly Invitae), Labcorp
Classification: Uncertain significance for Familial temporal lobe epilepsy 7; Norman-Roberts syndrome. Last evaluated: 2023-02-20. Review status: criteria provided, single submitter. Criteria: Invitae Variant Classification Sherloc (09022015). Collection method: clinical testing. Allele origin: germline.
Comment: This variant is not present in population databases (gnomAD no frequency). This sequence change replaces phenylalanine, which is neutral and non-polar, with leucine, which is neutral and non-polar, at codon 2435 of the RELN protein (p.Phe2435Leu). This variant has not been reported in the literature in individuals affected with RELN-related conditions. In summary, the available evidence is currently insufficient to determine the role of this variant in disease. Therefore, it has been classified as a Variant of Uncertain Significance. Advanced modeling of protein sequence and biophysical properties (such as structural, functional, and spatial information, amino acid conservation, physicochemical variation, residue mobility, and thermodynamic stability) performed at Invitae indicates that this missense variant is not expected to disrupt RELN protein function.